The following is an entry in ClinVar:

ClinVar aggregate classification (germline): Uncertain significance (1 of 4 stars; one submission).

Conditions:
Autosomal dominant nonsyndromic hearing loss 65. Also called: Deafness, autosomal dominant 65; TBC1D24-Related Autosomal Dominant Nonsyndromic Hearing Loss (DFNA). Identifiers: Orphanet 90635, MedGen C3892048, MONDO:0014470, OMIM 616044.
Developmental and epileptic encephalopathy, 1 (DEE1). Also called: INFANTILE SPASM SYNDROME, X-LINKED 1; X-linked infantile spasms; West's syndrome; Tonic spasms with clustering, arrest of psychomotor development and hypsarrhythmia on EEG; X-Linked Infantile Spasm Syndrome; OHTAHARA SYNDROME, X-LINKED. Identifiers: MedGen C3463992, MONDO:0010632, OMIM 308350. Disease mechanism: loss of function.

Submission:

Labcorp Genetics (formerly Invitae), Labcorp
Classification: Uncertain significance for Developmental and epileptic encephalopathy, 1; Autosomal dominant nonsyndromic hearing loss 65. Last evaluated: 2025-03-07. Review status: criteria provided, single submitter. Criteria: Invitae Variant Classification Sherloc (09022015). Collection method: clinical testing. Allele origin: germline.
Comment: This sequence change replaces threonine, which is neutral and polar, with serine, which is neutral and polar, at codon 494 of the TBC1D24 protein (p.Thr494Ser). This variant is not present in population databases (gnomAD no frequency). This variant has not been reported in the literature in individuals affected with TBC1D24-related conditions. Invitae Evidence Modeling of protein sequence and biophysical properties (such as structural, functional, and spatial information, amino acid conservation, physicochemical variation, residue mobility, and thermodynamic stability) indicates that this missense variant is not expected to disrupt TBC1D24 protein function with a negative predictive value of 95%. In summary, the available evidence is currently insufficient to determine the role of this variant in disease. Therefore, it has been classified as a Variant of Uncertain Significance.

NM_001199107.2(TBC1D24):c.1481C>G (p.Thr494Ser)

Gene: TBC1D24 (TBC1 domain family member 24; plus strand). Cytogenetic location: 16p13.3.
Variant type: single nucleotide variant.
Coding change: c.1481C>G on transcript NM_001199107.2 (MANE Select); coding-DNA position 1481, C replaced by G.
Protein change: p.Thr494Ser; replaces threonine 494 with serine.
Molecular consequence: missense variant.
Genome position (GRCh38, 1-based): chr16:2,500,446, C>G. VCF-style: chr16-2500446-C-G. GRCh37 (hg19) VCF-style: chr16-2550447-C-G.
Other names: c.1463C>G, p.Thr488Ser (NM_020705.3); short protein forms T488S, T494S.
Identifiers: ClinVar variation 3756479 (VCV003756479.2).